The following is an entry in ClinVar:

ClinVar aggregate classification (germline): Uncertain significance (1 of 4 stars; one submission).

Conditions:
Osteogenesis imperfecta type I (OI1). Also called: Lobstein disease; OI, TYPE I; OSTEOGENESIS IMPERFECTA TARDA; OSTEOGENESIS IMPERFECTA WITH BLUE SCLERAE; Osteogenesis imperfecta type 1; Lobstein's Disease. Identifiers: Orphanet 216796, Orphanet 666, MedGen C0023931, MONDO:0008146, OMIM 166200. Disease mechanism: loss of function.
Ehlers-Danlos syndrome, classic type, 1 (EDSCL1). Also called: EDS I; EHLERS-DANLOS SYNDROME, GRAVIS TYPE; EHLERS-DANLOS SYNDROME, SEVERE CLASSIC TYPE; Ehlers-Danlos syndrome, type 1; Ehlers-Danlos Syndrome, Classic Type, COL5A1-Related. Identifiers: MedGen C0268335, MONDO:0019567, OMIM 130000.

Submission:

Labcorp Genetics (formerly Invitae), Labcorp
Classification: Uncertain significance for Osteogenesis imperfecta type I; Ehlers-Danlos syndrome, classic type, 1. Last evaluated: 2025-01-20. Review status: criteria provided, single submitter. Criteria: Invitae Variant Classification Sherloc (09022015). Collection method: clinical testing. Allele origin: germline.
Comment: This sequence change falls in intron 42 of the COL1A2 gene. It does not directly change the encoded amino acid sequence of the COL1A2 protein. This variant is not present in population databases (gnomAD no frequency). This variant has not been reported in the literature in individuals affected with COL1A2-related conditions. ClinVar contains an entry for this variant (Variation ID: 2950522). Algorithms developed to predict the effect of sequence changes on RNA splicing suggest that this variant may disrupt the consensus splice site. In summary, the available evidence is currently insufficient to determine the role of this variant in disease. Therefore, it has been classified as a Variant of Uncertain Significance.

NM_000089.4(COL1A2):c.2782-13G>A

Gene: COL1A2 (collagen type I alpha 2 chain; plus strand). Cytogenetic location: 7q21.3.
Variant type: single nucleotide variant.
Coding change: c.2782-13G>A on transcript NM_000089.4 (MANE Select); 13 bases into the intron before coding-DNA position 2782, G replaced by A.
Molecular consequence: intron variant.
Genome position (GRCh38, 1-based): chr7:94,425,597, G>A. VCF-style: chr7-94425597-G-A. GRCh37 (hg19) VCF-style: chr7-94054909-G-A.
Identifiers: ClinVar variation 2950522 (VCV002950522.3), dbSNP rs2484734342, ClinGen allele CA2740097411.
Genomic context (GRCh38, chr7:94,425,597, plus strand): 5'-AGTAGCTACAACATAGGGGCTGGTAGGCAGCAGAGCCTCACCAACAGCCTTAATTTGTGT[G>A]GTGTCTTCACAGGGCAACCCTGGGAACGATGGTCCCCCAGGTCGCGATGGTCAACCCGGA-3'